The following is an entry in ClinVar:

ClinVar aggregate classification (germline): Benign. Review status: criteria provided, multiple submitters, no conflicts (2 of 4 stars). 3 submissions from 3 submitters: Benign (3). Last evaluated 2026-02-02.

Allele frequency attached by ClinVar (database versions not stated): 1000 Genomes Project 30x 0.00765; ExAC 0.01498; TOPMed 0.01322; ESP Exome Variant Server 0.01370; gnomAD exomes 0.01787 and 0.01410; 1000 Genomes Project 0.00759; gnomAD 0.01274 and 0.01282.
gnomAD v4.1: 27,759 of 1,605,220 alleles (1.7%); highest among the groups gnomAD compares: Middle Eastern, 2.7%; 278 homozygotes.

Submissions (3):

Labcorp Genetics (formerly Invitae), Labcorp
Classification: Benign. Last evaluated: 2026-02-02. Review status: criteria provided, single submitter. Criteria: Invitae Variant Classification Sherloc (09022015). Collection method: clinical testing. Allele origin: germline.

Mayo Clinic Laboratories, Mayo Clinic
Classification: Benign. Last evaluated: 2023-09-18. Review status: criteria provided, single submitter. Criteria: ACMG Guidelines, 2015. Collection method: clinical testing. Allele origin: germline. Observed: 8 variant alleles.
Comment: BS1, BS2

Breakthrough Genomics
Classification: Benign. Review status: criteria provided, single submitter. Criteria: ACMG Guidelines, 2015. Collection method: not provided. Allele origin: germline. Inheritance: Autosomal recessive inheritance. Affected: yes.

NM_018671.5(UNC45A):c.688-4C>A

Gene: UNC45A (unc-45 myosin chaperone A; plus strand). Cytogenetic location: 15q26.1.
Variant type: single nucleotide variant.
Coding change: c.688-4C>A on transcript NM_018671.5 (MANE Select); 4 bases into the intron before coding-DNA position 688, C replaced by A.
Molecular consequence: intron variant.
Genome position (GRCh38, 1-based): chr15:90,942,433, C>A. VCF-style: chr15-90942433-C-A. GRCh37 (hg19) VCF-style: chr15-91485663-C-A.
Other names: p.?; c.643-4C>A (NM_001039675.2, NM_001323621.2); c.688-4C>A (NM_001323619.1); c.253-4C>A (NM_001323620.2).
Identifiers: ClinVar variation 1170236 (VCV001170236.11), dbSNP rs113435518, ClinGen allele CA7742645.